The following is an entry in ClinVar:

ClinVar aggregate classification (germline): Uncertain significance. Review status: criteria provided, multiple submitters, no conflicts (2 of 4 stars). 3 submissions from 3 submitters: Uncertain significance (2). 1 of the submissions does not count toward it. Last evaluated 2025-08-11.

Conditions:
KRT5-related disorder. Also called: KRT5-related condition.
Inborn genetic diseases. Identifiers: MedGen C0950123, MeSH D030342.

Allele frequency attached by ClinVar (database versions not stated): gnomAD exomes 0.00002; ExAC 0.00003; gnomAD 0.00003; TOPMed 0.00006.
gnomAD v4.1: 41 of 1,613,822 alleles (0.0025%); highest among the groups gnomAD compares: Middle Eastern, 0.016%; no homozygotes.

Submissions (3):

Ambry Genetics
Classification: Uncertain significance for Inborn genetic diseases. Last evaluated: 2025-08-11. Review status: criteria provided, single submitter. Criteria: Ambry Variant Classification Scheme 2023. Collection method: clinical testing. Allele origin: germline.

Labcorp Genetics (formerly Invitae), Labcorp
Classification: Uncertain significance. Last evaluated: 2025-06-08. Review status: criteria provided, single submitter. Criteria: Invitae Variant Classification Sherloc (09022015). Collection method: clinical testing. Allele origin: germline.
Comment: This sequence change replaces alanine, which is neutral and non-polar, with threonine, which is neutral and polar, at codon 20 of the KRT5 protein (p.Ala20Thr). This variant is present in population databases (rs776895650, gnomAD 0.05%). This variant has not been reported in the literature in individuals affected with KRT5-related conditions. ClinVar contains an entry for this variant (Variation ID: 2468927). Invitae Evidence Modeling of protein sequence and biophysical properties (such as structural, functional, and spatial information, amino acid conservation, physicochemical variation, residue mobility, and thermodynamic stability) indicates that this missense variant is not expected to disrupt KRT5 protein function with a negative predictive value of 95%. In summary, the available evidence is currently insufficient to determine the role of this variant in disease. Therefore, it has been classified as a Variant of Uncertain Significance.

PreventionGenetics, part of Exact Sciences
Classification: Uncertain significance for KRT5-related condition. Last evaluated: 2024-07-25. Review status: no assertion criteria provided. Collection method: clinical testing. Allele origin: germline. Not counted in ClinVar's aggregate classification.
Comment: The KRT5 c.58G>A variant is predicted to result in the amino acid substitution p.Ala20Thr. To our knowledge, this variant has not been reported in the literature. This variant is reported in 0.045% of alleles in individuals of East Asian descent in gnomAD. At this time, the clinical significance of this variant is uncertain due to the absence of conclusive functional and genetic evidence.

NM_000424.4(KRT5):c.58G>A (p.Ala20Thr)

Gene: KRT5 (keratin 5; minus strand). Cytogenetic location: 12q13.13.
Variant type: single nucleotide variant.
Coding change: c.58G>A on transcript NM_000424.4 (MANE Select); coding-DNA position 58, G replaced by A.
Protein change: p.Ala20Thr; replaces alanine 20 with threonine.
Molecular consequence: missense variant.
Genome position (GRCh38, 1-based): chr12:52,520,239, C>T on the plus strand (G>A on the coding strand, the complement: KRT5 is on the minus strand). VCF-style: chr12-52520239-C-T. GRCh37 (hg19) VCF-style: chr12-52914023-C-T.
Other names: short protein forms A20T.
Identifiers: ClinVar variation 2468927 (VCV002468927.5), dbSNP rs776895650, ClinGen allele CA6582944.